The following is an entry in ClinVar:

ClinVar aggregate classification (germline): Uncertain significance. Review status: criteria provided, multiple submitters, no conflicts (2 of 4 stars). 2 submissions from 2 submitters: Uncertain significance (2). Last evaluated 2024-11-22.

Conditions:
Inborn genetic diseases. Identifiers: MedGen C0950123, MeSH D030342.

Allele frequency attached by ClinVar (database versions not stated): gnomAD exomes 0.00001; gnomAD 0.00005.
gnomAD v4.1: 13 of 606,154 alleles (0.0021%); highest among the groups gnomAD compares: East Asian, 0.028%; no homozygotes.

Submissions (2):

Women's Health and Genetics/Laboratory Corporation of America, LabCorp
Classification: Uncertain significance. Last evaluated: 2024-11-22. Review status: criteria provided, single submitter. Criteria: LabCorp Variant Classification Summary - May 2015. Collection method: clinical testing. Allele origin: germline.
Comment: Variant summary: ACAN c.3004G>C (p.Glu1002Gln) results in a conservative amino acid change in the encoded protein sequence. Three of five in-silico tools predict a benign effect of the variant on protein function. The variant allele was found at a frequency of 1.5e-05 in 66956 control chromosomes. The available data on variant occurrences in the general population are insufficient to allow any conclusion about variant significance. To our knowledge, no occurrence of c.3004G>C in individuals affected with ACAN-Related Disorders and no experimental evidence demonstrating its impact on protein function have been reported. ClinVar contains an entry for this variant (Variation ID: 3135153). Based on the evidence outlined above, the variant was classified as uncertain significance.

Ambry Genetics
Classification: Uncertain significance for Inborn genetic diseases. Last evaluated: 2023-11-21. Review status: criteria provided, single submitter. Criteria: Ambry Variant Classification Scheme 2023. Collection method: clinical testing. Allele origin: germline.

NM_001369268.1(ACAN):c.3004G>C (p.Glu1002Gln)

Gene: ACAN (aggrecan; plus strand). Cytogenetic location: 15q26.1.
Variant type: single nucleotide variant.
Coding change: c.3004G>C on transcript NM_001369268.1 (MANE Select); coding-DNA position 3004, G replaced by C.
Protein change: p.Glu1002Gln; replaces glutamic acid 1002 with glutamine.
Molecular consequence: missense variant.
Genome position (GRCh38, 1-based): chr15:88,855,589, G>C. VCF-style: chr15-88855589-G-C. GRCh37 (hg19) VCF-style: chr15-89398820-G-C.
Other names: c.3004G>C, p.Glu1002Gln (NM_001135.4, NM_001411096.1, NM_001411097.1 and 1 more transcripts); short protein forms E1002Q.
Identifiers: ClinVar variation 3135153 (VCV003135153.2), dbSNP rs1270044214, ClinGen allele CA393718408.